The following is an entry in ClinVar:

NM_001376.5(DYNC1H1):c.8945G>T (p.Arg2982Leu)

Genes: DYNC1H1 (dynein cytoplasmic 1 heavy chain 1; plus strand), LOC126862060 (BRD4-independent group 4 enhancer GRCh37_chr14:102493659-102494858; plus strand). Cytogenetic location: 14q32.31.
Variant type: single nucleotide variant.
Coding change: c.8945G>T on transcript NM_001376.5 (MANE Select); coding-DNA position 8945, G replaced by T.
Protein change: p.Arg2982Leu; replaces arginine 2982 with leucine.
Molecular consequence: missense variant.
Genome position (GRCh38, 1-based): chr14:102,027,441, G>T. VCF-style: chr14-102027441-G-T. GRCh37 (hg19) VCF-style: chr14-102493778-G-T.
Other names: short protein forms R2982L.
Identifiers: ClinVar variation 1311934 (VCV001311934.3), dbSNP rs2048463341, ClinGen allele CA391010710.

ClinVar aggregate classification (germline): Uncertain significance (1 of 4 stars; one submission).

Submission:

GeneDx
Classification: Uncertain significance. Last evaluated: 2025-09-05. Review status: criteria provided, single submitter. Criteria: GeneDx Variant Classification Process June 2021. Collection method: clinical testing. Allele origin: germline. Affected: yes.
Comment: Not observed at significant frequency in large population cohorts (gnomAD); In silico analysis supports that this missense variant has a deleterious effect on protein structure/function; Has not been previously published as pathogenic or benign to our knowledge; This variant is associated with the following publications: (PMID: 25512093, 25609763, 26100331)